The following is an entry in ClinVar:

ClinVar aggregate classification (germline): Likely pathogenic (1 of 4 stars; one submission).

Conditions:
Very long chain acyl-CoA dehydrogenase deficiency (ACADVLD). Also called: Very Long-Chain Acyl-Coenzyme A Dehydrogenase Deficiency; VLCAD Deficiency. Identifiers: Orphanet 26793, MedGen C3887523, MONDO:0008723, OMIM 201475.

Submission:

Labcorp Genetics (formerly Invitae), Labcorp
Classification: Likely pathogenic for Very long chain acyl-CoA dehydrogenase deficiency. Last evaluated: 2022-11-29. Review status: criteria provided, single submitter. Criteria: Invitae Variant Classification Sherloc (09022015). Collection method: clinical testing. Allele origin: germline.
Comment: This sequence change replaces glycine, which is neutral and non-polar, with alanine, which is neutral and non-polar, at codon 222 of the ACADVL protein (p.Gly222Ala). In summary, the currently available evidence indicates that the variant is pathogenic, but additional data are needed to prove that conclusively. Therefore, this variant has been classified as Likely Pathogenic. This variant disrupts the p.Gly222 amino acid residue in ACADVL. Other variant(s) that disrupt this residue have been determined to be pathogenic (PMID: 20060901, 25652019, 26182500). This suggests that this residue is clinically significant, and that variants that disrupt this residue are likely to be disease-causing. Advanced modeling of protein sequence and biophysical properties (such as structural, functional, and spatial information, amino acid conservation, physicochemical variation, residue mobility, and thermodynamic stability) performed at Invitae indicates that this missense variant is expected to disrupt ACADVL protein function. This variant has not been reported in the literature in individuals affected with ACADVL-related conditions. This variant is not present in population databases (gnomAD no frequency).

Literature cited by the submitters: PubMed 20060901; PubMed 25652019; PubMed 26182500.

NM_000018.4(ACADVL):c.665G>C (p.Gly222Ala)

Gene: ACADVL (acyl-CoA dehydrogenase very long chain; plus strand). Cytogenetic location: 17p13.1.
Variant type: single nucleotide variant.
Coding change: c.665G>C on transcript NM_000018.4 (MANE Select); coding-DNA position 665, G replaced by C.
Protein change: p.Gly222Ala; replaces glycine 222 with alanine.
Molecular consequence: missense variant.
Genome position (GRCh38, 1-based): chr17:7,221,994, G>C. VCF-style: chr17-7221994-G-C. GRCh37 (hg19) VCF-style: chr17-7125313-G-C.
Other names: c.599G>C, p.Gly200Ala (NM_001033859.3); c.734G>C, p.Gly245Ala (NM_001270447.2); c.437G>C, p.Gly146Ala (NM_001270448.2); short protein forms G146A, G222A, G200A, G245A.
Identifiers: ClinVar variation 3021289 (VCV003021289.3), dbSNP rs2508297411, ClinGen allele CA397723423.